The following is an entry in ClinVar:

NM_178857.6(RP1L1):c.4835G>T (p.Gly1612Val)

Gene: RP1L1 (RP1 like 1). Cytogenetic location: 8p23.1.
Variant type: single nucleotide variant.
Coding change: c.4835G>T on transcript NM_178857.6 (MANE Select); coding-DNA position 4835, G replaced by T.
Protein change: p.Gly1612Val; replaces glycine 1612 with valine.
Molecular consequence: missense variant.
Genome position (GRCh38, 1-based): chr8:10,609,263, C>A on the plus strand (G>T on the coding strand, the complement: RP1L1 is on the minus strand). VCF-style: chr8-10609263-C-A. GRCh37 (hg19) VCF-style: chr8-10466773-C-A.
Other names: short protein forms G1612V.
Identifiers: ClinVar variation 2508847 (VCV002508847.5), dbSNP rs374426762, ClinGen allele CA4623867.

ClinVar aggregate classification (germline): Uncertain significance. Review status: criteria provided, multiple submitters, no conflicts (2 of 4 stars). 4 submissions from 4 submitters: Uncertain significance (4). Last evaluated 2026-05-21.

Conditions:
RP1L1-related disorder. Also called: RP1L1-related condition.
Retinal dystrophy. Also called: Inherited retinal dystrophy. Identifiers: Orphanet 71862, MedGen C0854723, MeSH D058499, MONDO:0019118, HP:0000556.
Inborn genetic diseases. Identifiers: MedGen C0950123, MeSH D030342.

gnomAD v4.1: 21 of 1,608,970 alleles (0.0013%); highest among the groups gnomAD compares: Admixed American, 0.0017%; no homozygotes.

Submissions (4):

PreventionGenetics, part of Exact Sciences
Classification: Uncertain significance for RP1L1-related condition. Last evaluated: 2026-05-21. Review status: criteria provided, single submitter. Criteria: ACMG Guidelines, 2015. Collection method: clinical testing. Allele origin: germline.
Comment: The RP1L1 c.4835G>T variant is predicted to result in the amino acid substitution p.Gly1612Val. To our knowledge, this variant has not been reported in the literature. This variant is present in 0.0018% of alleles in individuals of European (Non-Finnish) descent in gnomAD. At this time, the clinical significance of this variant is uncertain due to the absence of conclusive functional and genetic evidence.

Dept Of Ophthalmology, Nagoya University
Classification: Uncertain significance for Retinal dystrophy. Last evaluated: 2023-10-01. Review status: criteria provided, single submitter. Criteria: Submitter's publication. Collection method: research. Allele origin: germline. Affected: yes.

Ambry Genetics
Classification: Uncertain significance for Inborn genetic diseases. Last evaluated: 2023-05-04. Review status: criteria provided, single submitter. Criteria: Ambry Variant Classification Scheme 2023. Collection method: clinical testing. Allele origin: germline.

Blueprint Genetics
Classification: Uncertain significance. Last evaluated: 2021-10-12. Review status: criteria provided, single submitter. Criteria: ACMG Guidelines, 2015. Collection method: clinical testing. Allele origin: germline.